The following is an entry in ClinVar:

ClinVar aggregate classification (germline): Benign (1 of 4 stars; one submission).

Submission:

GeneDx
Classification: Benign. Last evaluated: 2018-06-14. Review status: criteria provided, single submitter. Criteria: GeneDx Variant Classification (06012015). Collection method: clinical testing. Allele origin: germline. Affected: yes.
Comment: This variant is considered likely benign or benign based on one or more of the following criteria: it is a conservative change, it occurs at a poorly conserved position in the protein, it is predicted to be benign by multiple in silico algorithms, and/or has population frequency not consistent with disease.

NM_182943.3(PLOD2):c.1564-98_1564-95del

Gene: PLOD2 (procollagen-lysine,2-oxoglutarate 5-dioxygenase 2; minus strand). Cytogenetic location: 3q24.
Variant type: Deletion.
Coding change: c.1564-98_1564-95del on transcript NM_182943.3 (MANE Select); 98 bases into the intron before coding-DNA position 1564 through 95 bases into the intron before coding-DNA position 1564, 4 bases deleted (TAAA; older notation c.1564-98_1564-95delTAAA).
Molecular consequence: intron variant.
Genome position (GRCh38, 1-based): chr3:146,076,990-146,076,993, TTTA deleted on the plus strand (TAAA on the coding strand, the reverse complement: PLOD2 is on the minus strand); deleting any 4 consecutive bases within chr3:146,076,990-146,076,994 gives the same sequence; the c. name uses the placement nearest the transcript's 3' end. VCF-style (leftmost placement, unchanged base first): chr3-146076989-CTTTA-C. GRCh37 (hg19) VCF-style: chr3-145794776-CTTTA-C.
Other names: c.1501-98_1501-95del (NM_000935.3).
Identifiers: ClinVar variation 674930 (VCV000674930.1), dbSNP rs35274473, ClinGen allele CA84505550.
Genomic context (GRCh38, chr3:146,076,989, plus strand): 5'-AGGTAGGTACAAAAGTAAATTTAATCATAGGAAAAATATATAGAAGATATTAATTTCTAT[CTTTA>C]TATTTCATTTATGAACATGCATTTTTAGTATTCATATAAAATGTGCATAGTTTAAAATAA-3'